The following is an entry in ClinVar:

ClinVar aggregate classification (germline): Pathogenic. Review status: criteria provided, multiple submitters, no conflicts (2 of 4 stars). 2 submissions from 2 submitters: Pathogenic (2). Last evaluated 2025-10-11.

Submissions (5):

Labcorp Genetics (formerly Invitae), Labcorp
Classification: Pathogenic. Last evaluated: 2025-10-11. Review status: criteria provided, single submitter. Criteria: Invitae Variant Classification Sherloc (09022015). Collection method: clinical testing. Allele origin: germline.
Comment: This sequence change affects a donor splice site in intron 16 of the PHEX gene. It is expected to disrupt RNA splicing. Variants that disrupt the donor or acceptor splice site typically lead to a loss of protein function (PMID: 16199547), and loss-of-function variants in PHEX are known to be pathogenic (PMID: 9097956, 9106524, 19219621). This variant is not present in population databases (gnomAD no frequency). Disruption of this splice site has been observed in individual(s) with hypophosphatemia (PMID: 19219621; internal data). ClinVar contains an entry for this variant (Variation ID: 843348). Algorithms developed to predict the effect of sequence changes on RNA splicing suggest that this variant may disrupt the consensus splice site. For these reasons, this variant has been classified as Pathogenic.

GeneDx
Classification: Pathogenic. Last evaluated: 2024-08-30. Review status: criteria provided, single submitter. Criteria: GeneDx Variant Classification Process June 2021. Collection method: clinical testing. Allele origin: germline. Affected: yes.
Comment: Reported in a patient with hypophosphatemic rickets in published literature (PMID: 19219621); Canonical splice site variant predicted to result in a null allele in a gene for which loss of function is a known mechanism of disease; Not observed at significant frequency in large population cohorts (gnomAD); This variant is associated with the following publications: (PMID: 25525159, 30682568, 34434907, 34633109, 19219621)

Dr. Peter K. Rogan Lab, Western University
No classification provided (evidence only). Condition: Thyroid cancer, nonmedullary, 1. Review status: no classification provided. Collection method: in vitro. Allele origin: not applicable. Functional consequence: retained intron. Not counted in ClinVar's aggregate classification.

Dr. Peter K. Rogan Lab, Western University
No classification provided (evidence only). Condition: Thyroid cancer, nonmedullary, 1. Review status: no classification provided. Collection method: in vitro. Allele origin: not applicable. Functional consequence: retained intron. Not counted in ClinVar's aggregate classification.

Dr. Peter K. Rogan Lab, Western University
No classification provided (evidence only). Condition: Thyroid cancer, nonmedullary, 1. Review status: no classification provided. Collection method: in vitro. Allele origin: not applicable. Functional consequence: retained intron. Not counted in ClinVar's aggregate classification.

Literature cited by the submitters: PubMed 16199547 (cited by Labcorp Genetics (formerly Invitae), Labcorp); PubMed 9097956 (cited by Labcorp Genetics (formerly Invitae), Labcorp); PubMed 9106524 (cited by Labcorp Genetics (formerly Invitae), Labcorp); PubMed 19219621 (cited by Labcorp Genetics (formerly Invitae), Labcorp).

NM_000444.6(PHEX):c.1700+1G>A

Genes: PHEX (phosphate regulating endopeptidase X-linked; plus strand), PTCHD1-AS (PTCHD1 and PHEX antisense RNA; minus strand). Cytogenetic location: Xp22.11.
Variant type: single nucleotide variant.
Coding change: c.1700+1G>A on transcript NM_000444.6 (MANE Select); the canonical splice donor site of the intron after coding-DNA position 1700, G replaced by A.
Molecular consequence: splice donor variant.
Genome position (GRCh38, 1-based): chrX:22,212,959, G>A. VCF-style: chrX-22212959-G-A. GRCh37 (hg19) VCF-style: chrX-22231076-G-A.
Other names: c.1700+1G>A (NM_001282754.2).
Identifiers: ClinVar variation 843348 (VCV000843348.12), dbSNP rs1057520582, ClinGen allele CA412575710.